The following is an entry in ClinVar:

NM_000059.4(BRCA2):c.3880_3884del (p.Leu1294fs)

Gene: BRCA2 (BRCA2 DNA repair associated; plus strand). Cytogenetic location: 13q13.1.
Variant type: Deletion.
Coding change: c.3880_3884del on transcript NM_000059.4 (MANE Select); coding-DNA positions 3880 to 3884, 5 bases deleted (TTACA; older notation c.3880_3884delTTACA).
Protein change: p.Leu1294fs; shifts the reading frame from leucine 1294.
Molecular consequence: frameshift variant.
Genome position (GRCh38, 1-based): chr13:32,338,235-32,338,239, TTACA deleted; deleting any 5 consecutive bases within chr13:32,338,234-32,338,239 gives the same sequence; the c. name uses the placement nearest the transcript's 3' end. VCF-style (leftmost placement, unchanged base first): chr13-32338233-TATTAC-T. GRCh37 (hg19) VCF-style: chr13-32912370-TATTAC-T.
Other names: c.3880_3884delTTACA (NM_000059.3); short protein forms L1294fs.
Identifiers: ClinVar variation 631347 (VCV000631347.7), dbSNP rs1566229335, ClinGen allele CA913188542.

ClinVar aggregate classification (germline): Pathogenic. Review status: criteria provided, multiple submitters, no conflicts (2 of 4 stars). 2 submissions from 2 submitters: Pathogenic (2). Last evaluated 2025-05-18.

Conditions:
Hereditary cancer-predisposing syndrome. Also called: Tumor predisposition; Neoplastic Syndromes, Hereditary; Hereditary neoplastic syndrome; Hereditary Cancer Syndrome. Identifiers: Orphanet 140162, MedGen C0027672, MeSH D009386, MONDO:0015356.
Hereditary breast ovarian cancer syndrome. Also called: Hereditary breast and ovarian cancer; Hereditary breast and ovarian cancer syndrome (HBOC); Breast and ovarian cancer; Hereditary breast and ovarian cancer syndrome; BRCA1- and BRCA2-Associated Hereditary Breast and Ovarian Cancer; Hereditary breast and/or ovarian cancer syndrome. Identifiers: Orphanet 145, MedGen C0677776, MeSH D061325, MONDO:0003582. Disease mechanism: loss of function.

Submissions (2):

Labcorp Genetics (formerly Invitae), Labcorp
Classification: Pathogenic for Hereditary breast ovarian cancer syndrome. Last evaluated: 2025-05-18. Review status: criteria provided, single submitter. Criteria: Invitae Variant Classification Sherloc (09022015). Collection method: clinical testing. Allele origin: germline.
Comment: This sequence change creates a premature translational stop signal (p.Leu1294Lysfs*2) in the BRCA2 gene. It is expected to result in an absent or disrupted protein product. Loss-of-function variants in BRCA2 are known to be pathogenic (PMID: 20104584). This variant is not present in population databases (gnomAD no frequency). This variant has not been reported in the literature in individuals affected with BRCA2-related conditions. ClinVar contains an entry for this variant (Variation ID: 631347). For these reasons, this variant has been classified as Pathogenic.

Color Diagnostics, LLC DBA Color Health
Classification: Pathogenic for Hereditary cancer-predisposing syndrome. Last evaluated: 2019-12-20. Review status: criteria provided, single submitter. Criteria: ACMG Guidelines, 2015. Collection method: clinical testing. Allele origin: germline.
Comment: This variant deletes 5 nucleotides in exon 11 of the BRCA2 gene, creating a frameshift and premature translation stop signal. This variant is expected to result in an absent or non-functional protein product. Splice site prediction tools suggest that this variant may not impact RNA splicing. To our knowledge, functional studies have not been performed for this variant. This variant has not been reported in individuals affected with hereditary cancer in the literature. This variant has not been identified in the general population by the Genome Aggregation Database (gnomAD). Loss of BRCA2 function is a known mechanism of disease. Based on the available evidence, this variant is classified as Pathogenic.

Literature cited by the submitters: PubMed 20104584 (cited by Labcorp Genetics (formerly Invitae), Labcorp).